The following is an entry in ClinVar:

NM_000393.5(COL5A2):c.3799G>T (p.Gly1267Trp)

Gene: COL5A2 (collagen type V alpha 2 chain; minus strand). Cytogenetic location: 2q32.2.
Variant type: single nucleotide variant.
Coding change: c.3799G>T on transcript NM_000393.5 (MANE Select); coding-DNA position 3799, G replaced by T.
Protein change: p.Gly1267Trp; replaces glycine 1267 with tryptophan.
Molecular consequence: missense variant.
Genome position (GRCh38, 1-based): chr2:189,039,398, C>A on the plus strand (G>T on the coding strand, the complement: COL5A2 is on the minus strand). VCF-style: chr2-189039398-C-A. GRCh37 (hg19) VCF-style: chr2-189904124-C-A.
Other names: short protein forms G1267W.
Identifiers: ClinVar variation 4740612 (VCV004740612.1).

ClinVar aggregate classification (germline): Uncertain significance (1 of 4 stars; one submission).

Conditions:
Ehlers-Danlos syndrome, classic type, 1 (EDSCL1). Also called: EHLERS-DANLOS SYNDROME, GRAVIS TYPE; EHLERS-DANLOS SYNDROME, SEVERE CLASSIC TYPE; Ehlers-Danlos syndrome, type 1; Ehlers-Danlos Syndrome, Classic Type, COL5A1-Related; EDS I. Identifiers: MedGen C0268335, MONDO:0019567, OMIM 130000.

Submission:

Labcorp Genetics (formerly Invitae), Labcorp
Classification: Uncertain significance for Ehlers-Danlos syndrome, classic type, 1. Last evaluated: 2025-04-23. Review status: criteria provided, single submitter. Criteria: Invitae Variant Classification Sherloc (09022015). Collection method: clinical testing. Allele origin: germline.
Comment: This sequence change replaces glycine, which is neutral and non-polar, with tryptophan, which is neutral and slightly polar, at codon 1267 of the COL5A2 protein (p.Gly1267Trp). This variant is not present in population databases (gnomAD no frequency). This variant has not been reported in the literature in individuals affected with COL5A2-related conditions. Invitae Evidence Modeling of protein sequence and biophysical properties (such as structural, functional, and spatial information, amino acid conservation, physicochemical variation, residue mobility, and thermodynamic stability) indicates that this missense variant is expected to disrupt COL5A2 protein function with a positive predictive value of 80%. In summary, the available evidence is currently insufficient to determine the role of this variant in disease. Therefore, it has been classified as a Variant of Uncertain Significance.